The following is an entry in ClinVar:

ClinVar aggregate classification (germline): Conflicting classifications of pathogenicity. Review status: criteria provided, conflicting classifications (1 of 4 stars). 4 submissions from 4 submitters: Uncertain significance (2); Likely benign (2). Last evaluated 2025-06-03.

Conditions:
Hereditary cancer-predisposing syndrome. Also called: Hereditary Cancer Syndrome; Neoplastic Syndromes, Hereditary; Tumor predisposition; Hereditary neoplastic syndrome. Identifiers: Orphanet 140162, MedGen C0027672, MeSH D009386, MONDO:0015356.
Hereditary breast ovarian cancer syndrome. Also called: Breast and ovarian cancer; Hereditary breast and ovarian cancer; Hereditary breast and/or ovarian cancer syndrome; BRCA1- and BRCA2-Associated Hereditary Breast and Ovarian Cancer; Hereditary breast and ovarian cancer syndrome (HBOC); Hereditary breast and ovarian cancer syndrome. Identifiers: Orphanet 145, MedGen C0677776, MeSH D061325, MONDO:0003582. Disease mechanism: loss of function.

Submissions (4):

GeneDx
Classification: Uncertain significance. Last evaluated: 2025-06-03. Review status: criteria provided, single submitter. Criteria: GeneDx Variant Classification Process June 2021. Collection method: clinical testing. Allele origin: germline. Affected: yes.
Comment: Not observed at significant frequency in large population cohorts (gnomAD); In silico analysis supports that this missense variant has a deleterious effect on protein structure/function; Also known as 5444A>C; This variant is associated with the following publications: (PMID: 29297111, 25556971)

Labcorp Genetics (formerly Invitae), Labcorp
Classification: Uncertain significance for Hereditary breast ovarian cancer syndrome. Last evaluated: 2025-03-01. Review status: criteria provided, single submitter. Criteria: Invitae Variant Classification Sherloc (09022015). Collection method: clinical testing. Allele origin: germline.
Comment: This sequence change replaces tyrosine, which is neutral and polar, with serine, which is neutral and polar, at codon 1739 of the BRCA2 protein (p.Tyr1739Ser). This variant is not present in population databases (gnomAD no frequency). This missense change has been observed in individual(s) with clinical features of BRCA2-related conditions (PMID: 25556971, 29297111). ClinVar contains an entry for this variant (Variation ID: 1746130). Invitae Evidence Modeling of protein sequence and biophysical properties (such as structural, functional, and spatial information, amino acid conservation, physicochemical variation, residue mobility, and thermodynamic stability) indicates that this missense variant is not expected to disrupt BRCA2 protein function with a negative predictive value of 95%. In summary, the available evidence is currently insufficient to determine the role of this variant in disease. Therefore, it has been classified as a Variant of Uncertain Significance.

Ambry Genetics
Classification: Likely benign for Hereditary cancer-predisposing syndrome. Last evaluated: 2024-02-28. Review status: criteria provided, single submitter. Criteria: Ambry Variant Classification Scheme 2023. Collection method: clinical testing. Allele origin: germline.

University of Washington Department of Laboratory Medicine, University of Washington
Classification: Likely benign for Hereditary cancer-predisposing syndrome. Last evaluated: 2023-03-23. Review status: criteria provided, single submitter. Criteria: Dines et al. (Genet Med. 2020). Collection method: curation. Allele origin: germline.
Comment: Missense variant in a coldspot region where missense variants are very unlikely to be pathogenic (PMID:31911673).

BRCA2 exon 11 coldspot. Reclassification based on statistical prior probability.

Literature cited by the submitters: PubMed 25556971 (cited by Labcorp Genetics (formerly Invitae), Labcorp); PubMed 29297111 (cited by Labcorp Genetics (formerly Invitae), Labcorp).

NM_000059.4(BRCA2):c.5216A>C (p.Tyr1739Ser)

Gene: BRCA2 (BRCA2 DNA repair associated; plus strand). Cytogenetic location: 13q13.1.
Variant type: single nucleotide variant.
Coding change: c.5216A>C on transcript NM_000059.4 (MANE Select); coding-DNA position 5216, A replaced by C.
Protein change: p.Tyr1739Ser; replaces tyrosine 1739 with serine.
Molecular consequence: missense variant.
Genome position (GRCh38, 1-based): chr13:32,339,571, A>C. VCF-style: chr13-32339571-A-C. GRCh37 (hg19) VCF-style: chr13-32913708-A-C.
Other names: c.5216A>C, p.Tyr1739Ser (NM_001406719.1, NM_001406720.1); short protein forms Y1739S.
Identifiers: ClinVar variation 1746130 (VCV001746130.10), dbSNP rs2072523751, ClinGen allele CA387784626.